The following is an entry in ClinVar:

ClinVar aggregate classification (germline): Uncertain significance (1 of 4 stars; one submission).

Conditions:
Hypoproteinemia, hypercatabolic (IMD43). Also called: IMMUNODEFICIENCY 43; BETA-2-MICROGLOBULIN DEFICIENCY; B2M DEFICIENCY; MHC CLASS I DEFICIENCY 4. Identifiers: MedGen C1855796, MONDO:0009434, OMIM 241600.

Allele frequency attached by ClinVar (database versions not stated): gnomAD exomes below 0.00001.
gnomAD v4.1: 3 of 1,614,134 alleles (0.00019%); highest among the groups gnomAD compares: Admixed American, 0.005%; no homozygotes.

Submission:

Labcorp Genetics (formerly Invitae), Labcorp
Classification: Uncertain significance for Hypoproteinemia, hypercatabolic. Last evaluated: 2025-04-09. Review status: criteria provided, single submitter. Criteria: Invitae Variant Classification Sherloc (09022015). Collection method: clinical testing. Allele origin: germline.
Comment: This sequence change replaces glutamic acid, which is acidic and polar, with lysine, which is basic and polar, at codon 36 of the B2M protein (p.Glu36Lys). This variant is present in population databases (no rsID available, gnomAD 0.003%). This variant has not been reported in the literature in individuals affected with B2M-related conditions. ClinVar contains an entry for this variant (Variation ID: 1512065). An algorithm developed to predict the effect of missense changes on protein structure and function (PolyPhen-2) suggests that this variant is likely to be tolerated. In summary, the available evidence is currently insufficient to determine the role of this variant in disease. Therefore, it has been classified as a Variant of Uncertain Significance.

NM_004048.4(B2M):c.106G>A (p.Glu36Lys)

Gene: B2M (beta-2-microglobulin; plus strand). Cytogenetic location: 15q21.1.
Variant type: single nucleotide variant.
Coding change: c.106G>A on transcript NM_004048.4 (MANE Select); coding-DNA position 106, G replaced by A.
Protein change: p.Glu36Lys; replaces glutamic acid 36 with lysine.
Molecular consequence: missense variant.
Genome position (GRCh38, 1-based): chr15:44,715,461, G>A. VCF-style: chr15-44715461-G-A. GRCh37 (hg19) VCF-style: chr15-45007659-G-A.
Other names: short protein forms E36K.
Identifiers: ClinVar variation 1512065 (VCV001512065.6), dbSNP rs1204151497, ClinGen allele CA392232655.